The following is an entry in ClinVar:

ClinVar aggregate classification (germline): Uncertain significance. Review status: criteria provided, multiple submitters, no conflicts (2 of 4 stars). 3 submissions from 3 submitters: Uncertain significance (3). Last evaluated 2025-12-10.

Conditions:
Cardiovascular phenotype. Identifiers: MedGen CN230736.
Hypertrophic cardiomyopathy 14. Identifiers: MedGen C2750467, MONDO:0013197, OMIM 613251.

Allele frequency attached by ClinVar (database versions not stated): TOPMed below 0.00001; gnomAD 0.00001; gnomAD exomes 0.00001 and 0.00002; ExAC 0.00003.
gnomAD v4.1: 23 of 1,614,012 alleles (0.0014%); highest among the groups gnomAD compares: South Asian, 0.0022%; no homozygotes.

Submissions (3):

Labcorp Genetics (formerly Invitae), Labcorp
Classification: Uncertain significance for Hypertrophic cardiomyopathy 14. Last evaluated: 2025-12-10. Review status: criteria provided, single submitter. Criteria: Invitae Variant Classification Sherloc (09022015). Collection method: clinical testing. Allele origin: germline.
Comment: This sequence change replaces valine, which is neutral and non-polar, with methionine, which is neutral and non-polar, at codon 700 of the MYH6 protein (p.Val700Met). This variant is present in population databases (rs767142932, gnomAD 0.007%). This missense change has been observed in individual(s) with dilated cardiomyopathy and/or patent foramen ovale, however in some of these individuals another variant was also identified in a cardiomyopathy-related gene (PMID: 20656787, 30847666). ClinVar contains an entry for this variant (Variation ID: 936597). Invitae Evidence Modeling of protein sequence and biophysical properties (such as structural, functional, and spatial information, amino acid conservation, physicochemical variation, residue mobility, and thermodynamic stability) indicates that this missense variant is expected to disrupt MYH6 protein function with a positive predictive value of 80%. In summary, the available evidence is currently insufficient to determine the role of this variant in disease. Therefore, it has been classified as a Variant of Uncertain Significance.

AiLife Diagnostics
Classification: Uncertain significance. Last evaluated: 2021-08-24. Review status: criteria provided, single submitter. Criteria: ACMG Guidelines, 2015. Collection method: clinical testing. Allele origin: germline. Affected: yes. Observed: 1 variant allele.

Ambry Genetics
Classification: Uncertain significance for Cardiovascular phenotype. Last evaluated: 2019-10-17. Review status: criteria provided, single submitter. Criteria: Ambry Variant Classification Scheme 2023. Collection method: clinical testing. Allele origin: germline.
Comment: The p.V700M variant (also known as c.2098G>A), located in coding exon 16 of the MYH6 gene, results from a G to A substitution at nucleotide position 2098. The valine at codon 700 is replaced by methionine, an amino acid with highly similar properties. This alteration was reported in a subject with congenital heart disease who also carried a missense alteration in the GATA4 gene (Granados-Riveron JT et al. Hum. Mol. Genet., 2010 Oct;19:4007-16; Granados-Riveron JT et al. Congenit Heart Dis., 2012 Oct;7:151-9). This amino acid position is highly conserved in available vertebrate species. In addition, this alteration is predicted to be deleterious by in silico analysis. Since supporting evidence is limited at this time, the clinical significance of this alteration remains unclear.

Literature cited by the submitters: PubMed 20656787 (cited by 3 submitters); PubMed 30847666 (cited by Labcorp Genetics (formerly Invitae), Labcorp and AiLife Diagnostics); PubMed 22011241 (cited by AiLife Diagnostics and Ambry Genetics).

NM_002471.4(MYH6):c.2098G>A (p.Val700Met)

Gene: MYH6 (myosin heavy chain 6; minus strand). Cytogenetic location: 14q11.2.
Variant type: single nucleotide variant.
Coding change: c.2098G>A on transcript NM_002471.4 (MANE Select); coding-DNA position 2098, G replaced by A.
Protein change: p.Val700Met; replaces valine 700 with methionine.
Molecular consequence: missense variant.
Genome position (GRCh38, 1-based): chr14:23,397,033, C>T on the plus strand (G>A on the coding strand, the complement: MYH6 is on the minus strand). VCF-style: chr14-23397033-C-T. GRCh37 (hg19) VCF-style: chr14-23866242-C-T.
Other names: short protein forms V700M.
Identifiers: ClinVar variation 936597 (VCV000936597.10), dbSNP rs767142932, ClinGen allele CA7115589.